The following is an entry in ClinVar:

ClinVar aggregate classification (germline): Uncertain significance. Review status: criteria provided, multiple submitters, no conflicts (2 of 4 stars). 2 submissions from 2 submitters: Uncertain significance (2). Last evaluated 2022-03-03.

Conditions:
Autosomal recessive nonsyndromic hearing loss 22. Identifiers: Orphanet 90636, MedGen C1846896, MONDO:0011762, OMIM 607039.
Inborn genetic diseases. Identifiers: MedGen C0950123, MeSH D030342.

Allele frequency attached by ClinVar (database versions not stated): TOPMed 0.00001; ExAC 0.00002.
gnomAD v4.1: 11 of 1,614,032 alleles (0.00068%); highest among the groups gnomAD compares: East Asian, 0.018%; no homozygotes.

Submissions (2):

Ambry Genetics
Classification: Uncertain significance for Inborn genetic diseases. Last evaluated: 2022-03-03. Review status: criteria provided, single submitter. Criteria: Ambry Variant Classification Scheme 2023. Collection method: clinical testing. Allele origin: germline.

Juno Genomics, Hangzhou Juno Genomics, Inc
Classification: Uncertain significance for Autosomal recessive nonsyndromic hearing loss 22. Review status: criteria provided, single submitter. Criteria: ACMG Guidelines, 2015. Collection method: clinical testing. Allele origin: germline. Affected: yes.
Comment: Absent from controls (or at extremely low frequency if recessive) in Genome Aggregation Database, Exome Sequencing Project, 1000 Genomes Project, or Exome Aggregation Consortium.;Multiple lines of computational evidence suggest no impact on gene or gene product (conservation, evolutionary, splicing impact, etc).

NM_144672.4(OTOA):c.795G>T (p.Met265Ile)

Gene: OTOA (otoancorin). Cytogenetic location: 16p12.2.
Variant type: single nucleotide variant.
Coding change: c.795G>T on transcript NM_144672.4 (MANE Select); coding-DNA position 795, G replaced by T.
Protein change: p.Met265Ile; replaces methionine 265 with isoleucine.
Molecular consequence: missense variant.
Genome position (GRCh38, 1-based): chr16:21,697,830, G>T. VCF-style: chr16-21697830-G-T. GRCh37 (hg19) VCF-style: chr16-21709151-G-T.
Other names: c.558G>T, p.Met186Ile (NM_001161683.2); short protein forms M265I, M186I.
Identifiers: ClinVar variation 2228860 (VCV002228860.4), dbSNP rs761754865, ClinGen allele CA7952423.